The following is an entry in ClinVar:

ClinVar aggregate classification (germline): Likely benign. Review status: criteria provided, multiple submitters, no conflicts (2 of 4 stars). 3 submissions from 3 submitters: Likely benign (3). Last evaluated 2026-02-08.

Conditions:
SNRNP200-related disorder. Also called: SNRNP200-related condition.

Allele frequency attached by ClinVar (database versions not stated): TOPMed 0.00004; gnomAD exomes 0.00008; ExAC 0.00012; gnomAD 0.00003.
gnomAD v4.1: 31 of 1,614,084 alleles (0.0019%); highest among the groups gnomAD compares: East Asian, 0.036%; no homozygotes.

Submissions (3):

PreventionGenetics, part of Exact Sciences
Classification: Likely benign for SNRNP200-related condition. Last evaluated: 2026-02-08. Review status: criteria provided, single submitter. Criteria: ACMG Guidelines, 2015. Collection method: clinical testing. Allele origin: germline.
Comment: This variant is classified as likely benign based on ACMG/AMP sequence variant interpretation guidelines (Richards et al. 2015 PMID: 25741868, with internal and published modifications).

Labcorp Genetics (formerly Invitae), Labcorp
Classification: Likely benign. Last evaluated: 2025-01-18. Review status: criteria provided, single submitter. Criteria: Invitae Variant Classification Sherloc (09022015). Collection method: clinical testing. Allele origin: germline.

Blueprint Genetics
Classification: Likely benign. Last evaluated: 2019-01-26. Review status: criteria provided, single submitter. Criteria: ACMG Guidelines, 2015. Collection method: clinical testing. Allele origin: germline.

NM_014014.5(SNRNP200):c.1188C>T (p.Leu396=)

Gene: SNRNP200 (small nuclear ribonucleoprotein U5 subunit 200; minus strand). Cytogenetic location: 2q11.2.
Variant type: single nucleotide variant.
Coding change: c.1188C>T on transcript NM_014014.5 (MANE Select); coding-DNA position 1188, C replaced by T.
Protein change: p.Leu396=; no amino-acid change (leucine 396 retained).
Molecular consequence: synonymous variant.
Genome position (GRCh38, 1-based): chr2:96,297,652, G>A on the plus strand (C>T on the coding strand, the complement: SNRNP200 is on the minus strand). VCF-style: chr2-96297652-G-A. GRCh37 (hg19) VCF-style: chr2-96963390-G-A.
Other names: c.1188C>T (NM_014014.4).
Identifiers: ClinVar variation 1650927 (VCV001650927.10), dbSNP rs781508595, ClinGen allele CA1778984.
Genomic context (GRCh38, chr2:96,297,652, plus strand): 5'-TTTCCATCCATCAAGGCCTGGGAAATAAATCGCCCTGGATCCTACCTCTCCACCCTGGTC[G>A]AGATCCATGGTTTCCAGATCTGTGTCCATTCGAGACTGACGCACTCGCTCTCTCCGGGAC-3'
Protein context (NP_054733.2, residues 386-406): RMDTDLETMD[Leu396=]DQGGEALAPR